The following is an entry in ClinVar:

NM_032043.3(BRIP1):c.485G>A (p.Arg162Gln)

Gene: BRIP1 (BRCA1 interacting DNA helicase 1; minus strand). Cytogenetic location: 17q23.2.
Variant type: single nucleotide variant.
Coding change: c.485G>A on transcript NM_032043.3 (MANE Select); coding-DNA position 485, G replaced by A.
Protein change: p.Arg162Gln; replaces arginine 162 with glutamine.
Molecular consequence: missense variant.
Genome position (GRCh38, 1-based): chr17:61,849,151, C>T on the plus strand (G>A on the coding strand, the complement: BRIP1 is on the minus strand). VCF-style: chr17-61849151-C-T. GRCh37 (hg19) VCF-style: chr17-59926512-C-T.
Other names: p.Arg162Gln; short protein forms R162Q.
Identifiers: ClinVar variation 141318 (VCV000141318.32), dbSNP rs61757643, ClinGen allele CA165098.

ClinVar aggregate classification (germline): Conflicting classifications of pathogenicity. Review status: criteria provided, conflicting classifications (1 of 4 stars). 8 submissions from 8 submitters: Uncertain significance (6); Likely benign (1). 1 of the submissions does not count toward it. Last evaluated 2026-02-02.

Conditions:
Hereditary cancer-predisposing syndrome. Also called: Tumor predisposition; Hereditary Cancer Syndrome; Neoplastic Syndromes, Hereditary; Hereditary neoplastic syndrome. Identifiers: Orphanet 140162, MedGen C0027672, MeSH D009386, MONDO:0015356.
Familial cancer of breast. Also called: hereditary breast carcinoma; BREAST CANCER, FAMILIAL; Hereditary breast cancer. Identifiers: Orphanet 227535, MedGen C0346153, MONDO:0016419, OMIM 114480. Disease mechanism: loss of function.
Fanconi anemia complementation group J. Also called: BRIP1-Related Fanconi Anemia. Identifiers: Orphanet 84, MedGen C1836860, MONDO:0012187, OMIM 609054.

Allele frequency attached by ClinVar (database versions not stated): TOPMed 0.00001; 1000 Genomes Project 30x 0.00031.
gnomAD v4.1: 25 of 1,613,430 alleles (0.0015%); highest among the groups gnomAD compares: Middle Eastern, 0.033%; no homozygotes.

Submissions (8):

Labcorp Genetics (formerly Invitae), Labcorp
Classification: Likely benign for Familial cancer of breast; Fanconi anemia complementation group J. Last evaluated: 2026-02-02. Review status: criteria provided, single submitter. Criteria: Invitae Variant Classification Sherloc (09022015). Collection method: clinical testing. Allele origin: germline.

Ambry Genetics
Classification: Uncertain significance for Hereditary cancer-predisposing syndrome. Last evaluated: 2025-12-15. Review status: criteria provided, single submitter. Criteria: Ambry Variant Classification Scheme 2023. Collection method: clinical testing. Allele origin: germline.

Color Diagnostics, LLC DBA Color Health
Classification: Uncertain significance for Hereditary cancer-predisposing syndrome. Last evaluated: 2025-11-25. Review status: criteria provided, single submitter. Criteria: ACMG Guidelines, 2015. Collection method: clinical testing. Allele origin: germline.
Comment: This missense variant replaces arginine with glutamine at codon 162 of the BRIP1 protein. Computational predictions are inconclusive regarding the impact of this variant on protein structure and function. To our knowledge, functional studies have not been reported for this variant. This variant has been detected in a breast cancer case-control meta-analysis in 1/60466 cases and 1/53461 unaffected individuals (PMID: 33471991Leiden Open Variation Database DB-ID BRIP1_000689) and an unaffected individual and absent in suspected hereditary breast and ovarian cancer families (PMID: 29368626). This variant also has been reported in individuals affected with head and neck carcinoma and metastatic osteosarcoma (PMID: 28678401, 29507082). This variant also has been detected in 1 individual older than age 70 years who has never had cancer (FLOSSIES database). This variant has been identified in 25/1613430 chromosomes in the general population by the Genome Aggregation Database (gnomAD). The available evidence is insufficient to determine the role of this variant in disease conclusively. Therefore, this variant is classified as a Variant of Uncertain Significance.

Mayo Clinic Laboratories, Mayo Clinic
Classification: Uncertain significance. Last evaluated: 2025-06-10. Review status: criteria provided, single submitter. Criteria: ACMG Guidelines, 2015. Collection method: clinical testing. Allele origin: germline. Observed: 1 variant allele.
Comment: BP4_moderate

GeneDx
Classification: Uncertain significance. Last evaluated: 2023-06-21. Review status: criteria provided, single submitter. Criteria: GeneDx Variant Classification Process June 2021. Collection method: clinical testing. Allele origin: germline. Affected: yes.
Comment: Not observed at significant frequency in large population cohorts (gnomAD); In silico analysis supports that this missense variant does not alter protein structure/function; This variant is associated with the following publications: (PMID: 27978560, 29507082, 28678401, 29368626, 31822803, 11301010)

Blueprint Genetics
Classification: Uncertain significance. Last evaluated: 2022-01-27. Review status: criteria provided, single submitter. Criteria: ACMG Guidelines, 2015. Collection method: clinical testing. Allele origin: germline.

Fulgent Genetics
Classification: Uncertain significance for Familial cancer of breast; Fanconi anemia complementation group J. Last evaluated: 2018-10-31. Review status: criteria provided, single submitter. Criteria: ACMG Guidelines, 2015. Collection method: clinical testing. Allele origin: unknown.

Zotz-Klimas Genetics Lab, MVZ Zotz Klimas
Classification: Uncertain significance for Familial cancer of breast. Last evaluated: 2023-10-30. Review status: no assertion criteria provided. Collection method: clinical testing. Allele origin: germline. Affected: yes. Not counted in ClinVar's aggregate classification.

Literature cited by the submitters: PubMed 28678401 (cited by Color Diagnostics, LLC DBA Color Health and Mayo Clinic Laboratories, Mayo Clinic); PubMed 29368626 (cited by Color Diagnostics, LLC DBA Color Health); PubMed 29507082 (cited by Color Diagnostics, LLC DBA Color Health); PubMed 33471991 (cited by Color Diagnostics, LLC DBA Color Health and Mayo Clinic Laboratories, Mayo Clinic); PubMed 27978560 (cited by Mayo Clinic Laboratories, Mayo Clinic).